The following is an entry in ClinVar:

NM_000059.4(BRCA2):c.6474dup (p.Gln2159fs)

Gene: BRCA2 (BRCA2 DNA repair associated; plus strand). Cytogenetic location: 13q13.1.
Variant type: Duplication.
Coding change: c.6474dup on transcript NM_000059.4 (MANE Select); coding-DNA position 6474, one base duplicated (T; older notation c.6474dupT).
Protein change: p.Gln2159fs; shifts the reading frame from glutamine 2159.
Molecular consequence: frameshift variant.
Genome position (GRCh38, 1-based): chr13:32,340,829, T duplicated; the last of 3 consecutive T bases (chr13:32,340,827-32,340,829); duplicating any one gives the same sequence. VCF-style (leftmost placement, unchanged base first): chr13-32340826-A-AT. GRCh37 (hg19) VCF-style: chr13-32914963-A-AT.
Other names: c.6474dupT (NM_000059.3); short protein forms Q2159fs.
Identifiers: ClinVar variation 438998 (VCV000438998.12), dbSNP rs1555284710, ClinGen allele CA645509068.

ClinVar aggregate classification (germline): Pathogenic. Review status: reviewed by expert panel (3 of 4 stars). 4 submissions from 4 submitters: Pathogenic (1). 3 of the submissions do not count toward it. Last evaluated 2017-12-15.

Conditions:
Breast-ovarian cancer, familial, susceptibility to, 2 (BROVCA2). Also called: BRCA2 Hereditary Breast and Ovarian Cancer. Identifiers: Orphanet 145, MedGen C2675520, MONDO:0012933, OMIM 612555. Disease mechanism: loss of function.
Hereditary cancer-predisposing syndrome. Also called: Hereditary Cancer Syndrome; Hereditary neoplastic syndrome; Tumor predisposition; Neoplastic Syndromes, Hereditary. Identifiers: Orphanet 140162, MedGen C0027672, MeSH D009386, MONDO:0015356.
Hereditary breast ovarian cancer syndrome. Also called: Hereditary breast and ovarian cancer syndrome; BRCA1- and BRCA2-Associated Hereditary Breast and Ovarian Cancer; Hereditary breast and ovarian cancer syndrome (HBOC); Hereditary breast and/or ovarian cancer syndrome; Hereditary breast and ovarian cancer; Breast and ovarian cancer. Identifiers: Orphanet 145, MedGen C0677776, MeSH D061325, MONDO:0003582. Disease mechanism: loss of function.

Submissions (4):

Evidence-based Network for the Interpretation of Germline Mutant Alleles (ENIGMA)
Classification: Pathogenic for Breast-ovarian cancer, familial, susceptibility to, 2. Last evaluated: 2017-12-15. Review status: reviewed by expert panel. Criteria: ENIGMA BRCA1/2 Classification Criteria (2017-06-29). Collection method: curation. Allele origin: germline. Study: ENIGMA.
Comment: Variant allele predicted to encode a truncated non-functional protein.

Labcorp Genetics (formerly Invitae), Labcorp
Classification: Pathogenic for Hereditary breast ovarian cancer syndrome. Last evaluated: 2025-12-21. Review status: criteria provided, single submitter. Criteria: Invitae Variant Classification Sherloc (09022015). Collection method: clinical testing. Allele origin: germline. Not counted in ClinVar's aggregate classification.
Comment: This sequence change creates a premature translational stop signal (p.Gln2159Serfs*17) in the BRCA2 gene. It is expected to result in an absent or disrupted protein product. Loss-of-function variants in BRCA2 are known to be pathogenic (PMID: 20104584). This variant is not present in population databases (gnomAD no frequency). This variant has not been reported in the literature in individuals affected with BRCA2-related conditions. ClinVar contains an entry for this variant (Variation ID: 438998). For these reasons, this variant has been classified as Pathogenic.

Ambry Genetics
Classification: Pathogenic for Hereditary cancer-predisposing syndrome. Last evaluated: 2022-11-22. Review status: criteria provided, single submitter. Criteria: Ambry Variant Classification Scheme 2023. Collection method: clinical testing. Allele origin: germline. Not counted in ClinVar's aggregate classification.
Comment: The c.6474dupT pathogenic mutation, located in coding exon 10 of the BRCA2 gene, results from a duplication of T at nucleotide position 6474, causing a translational frameshift with a predicted alternate stop codon (p.Q2159Sfs*17). This alteration is expected to result in loss of function by premature protein truncation or nonsense-mediated mRNA decay. As such, this alteration is interpreted as a disease-causing mutation.

Quest Diagnostics Nichols Institute San Juan Capistrano
Classification: Likely pathogenic. Last evaluated: 2017-03-24. Review status: criteria provided, single submitter. Criteria: Quest Diagnostics criteria. Collection method: clinical testing. Allele origin: germline. Not counted in ClinVar's aggregate classification.

Literature cited by the submitters: PubMed 20104584 (cited by Labcorp Genetics (formerly Invitae), Labcorp).